The following is an entry in ClinVar:

ClinVar aggregate classification (germline): Likely pathogenic. Review status: criteria provided, multiple submitters, no conflicts (2 of 4 stars). 3 submissions from 3 submitters: Likely pathogenic (3). Last evaluated 2026-02-01.

Conditions:
Hereditary cancer-predisposing syndrome. Also called: Neoplastic Syndromes, Hereditary; Tumor predisposition; Hereditary Cancer Syndrome; Hereditary neoplastic syndrome. Identifiers: Orphanet 140162, MedGen C0027672, MeSH D009386, MONDO:0015356.
Hereditary leiomyomatosis and renal cell cancer. Also called: Familial leiomyomatosis; MULTIPLE CUTANEOUS AND UTERINE LEIOMYOMATA 1, WITH OR WITHOUT RENAL CELL CARCINOMA; LEIOMYOMA, MULTIPLE CUTANEOUS; Reed syndrome; Multiple cutaneous and uterine leiomyomatosis; Cutaneous leiomyomata with uterine leiomyomata. Identifiers: Orphanet 523, MedGen C1708350, MONDO:0007888, OMIM 150800, HP:0007437. Disease mechanism: loss of function.

Submissions (3):

CeGaT Center for Human Genetics Tuebingen
Classification: Likely pathogenic. Last evaluated: 2026-02-01. Review status: criteria provided, single submitter. Criteria: CeGaT Center For Human Genetics Tuebingen Variant Classification Criteria Version 2. Collection method: clinical testing. Allele origin: germline. Affected: yes. Observed: 1 variant allele.
Comment: FH: PVS1:Strong, PM2

Myriad Genetics, Inc.
Classification: Likely pathogenic for Hereditary leiomyomatosis and renal cell cancer. Last evaluated: 2025-08-20. Review status: criteria provided, single submitter. Criteria: Myriad Autosomal Dominant, Autosomal Recessive and X-Linked Classification Criteria (2023). Collection method: clinical testing. Allele origin: unknown.
Comment: This variant is considered likely pathogenic. This variant occurs within a consensus splice junction and is predicted to result in abnormal mRNA splicing of either an out-of-frame exon or an in-frame exon necessary for protein stability and/or normal function.

Ambry Genetics
Classification: Likely pathogenic for Hereditary cancer-predisposing syndrome. Last evaluated: 2024-11-18. Review status: criteria provided, single submitter. Criteria: Ambry Variant Classification Scheme 2023. Collection method: clinical testing. Allele origin: germline.
Comment: The c.902_904+4delCAGGTTA variant results from a deletion of 7 nucleotides between positions c.902 and c.904+4 and involves the canonical splice donor site after coding exon 6 of the FH gene. This variant has been observed in at least one individual with a personal and/or family history that is consistent with FH-associated disease (Ambry internal data). This variant is considered to be rare based on population cohorts in the Genome Aggregation Database (gnomAD). The canonical splice donor site is not well conserved in available vertebrate species. In silico splice site analysis predicts that this alteration will weaken the native donor site and will result in the creation or strengthening of a novel splice donor site. Alterations that disrupt the canonical splice site are expected to cause aberrant splicing, resulting in an abnormal protein or a transcript that is subject to nonsense-mediated mRNA decay. RNA studies have demonstrated that this alteration results in abnormal splicing in the set of samples tested (Ambry internal data). The resulting transcripts are predicted to be in-frame and are not expected to trigger nonsense-mediated mRNA decay; however, the impacted region is critical for protein function (Ambry internal data). Based on the majority of available evidence to date, this variant is likely to be pathogenic.

NM_000143.4(FH):c.902_904+4del

Gene: FH (fumarate hydratase; minus strand). Cytogenetic location: 1q43.
Variant type: Deletion.
Coding change: c.902_904+4del on transcript NM_000143.4 (MANE Select); coding-DNA position 902 through 4 bases into the intron after coding-DNA position 904, 7 bases deleted (CAGGTTA; older notation c.902_904+4delCAGGTTA).
Molecular consequence: splice donor variant.
Genome position (GRCh38, 1-based): chr1:241,505,999-241,506,005, TAACCTG deleted on the plus strand (CAGGTTA on the coding strand, the reverse complement: FH is on the minus strand); deleting any 7 consecutive bases within chr1:241,505,999-241,506,008 gives the same sequence; the c. name uses the placement nearest the transcript's 3' end. VCF-style (leftmost placement, unchanged base first): chr1-241505998-CTAACCTG-C. GRCh37 (hg19) VCF-style: chr1-241669298-CTAACCTG-C.
Identifiers: ClinVar variation 3515091 (VCV003515091.6).
Genomic context (GRCh38, chr1:241,505,998, plus strand): 5'-CAGAAAATGTACAGACCACGTATAATGAGAAATGAAAATGAGAAATAATTCACGTGATCA[CTAACCTG>C]TAAGTGCAGCCACTTTTGCAGCAACCTTTTCTGCAAAGCCAATTCTAGTATTTAAACCTG-3'